The following is an entry in ClinVar:

NM_024753.5(TTC21B):c.1881C>T (p.His627=)

Gene: TTC21B (tetratricopeptide repeat domain 21B; minus strand). Cytogenetic location: 2q24.3.
Variant type: single nucleotide variant.
Coding change: c.1881C>T on transcript NM_024753.5 (MANE Select); coding-DNA position 1881, C replaced by T.
Protein change: p.His627=; no amino-acid change (histidine 627 retained).
Molecular consequence: synonymous variant.
Genome position (GRCh38, 1-based): chr2:165,917,275, G>A on the plus strand (C>T on the coding strand, the complement: TTC21B is on the minus strand). VCF-style: chr2-165917275-G-A. GRCh37 (hg19) VCF-style: chr2-166773785-G-A.
Identifiers: ClinVar variation 3344885 (VCV003344885.1).

ClinVar aggregate classification (germline): Likely benign (0 of 4 stars; one submission).

Conditions:
TTC21B-related disorder. Also called: TTC21B-related condition; TTC21B-related disorders.

Submission:

PreventionGenetics, part of Exact Sciences
Classification: Likely benign for TTC21B-related condition. Last evaluated: 2024-08-24. Review status: no assertion criteria provided. Collection method: clinical testing. Allele origin: germline.
Comment: This variant is classified as likely benign based on ACMG/AMP sequence variant interpretation guidelines (Richards et al. 2015 PMID: 25741868, with internal and published modifications).